The following is an entry in ClinVar:

NM_001009944.3(PKD1):c.914G>A (p.Trp305Ter)

Gene: PKD1 (polycystin 1, transient receptor potential channel interacting; minus strand). Cytogenetic location: 16p13.3.
Variant type: single nucleotide variant.
Coding change: c.914G>A on transcript NM_001009944.3 (MANE Select); coding-DNA position 914, G replaced by A.
Protein change: p.Trp305Ter; replaces tryptophan 305 with a stop codon.
Molecular consequence: nonsense.
Genome position (GRCh38, 1-based): chr16:2,118,078, C>T on the plus strand (G>A on the coding strand, the complement: PKD1 is on the minus strand). VCF-style: chr16-2118078-C-T. GRCh37 (hg19) VCF-style: chr16-2168079-C-T.
Other names: c.914G>A, p.Trp305Ter (NM_000296.4); short protein forms W305*.
Identifiers: ClinVar variation 3780329 (VCV003780329.3).

ClinVar aggregate classification (germline): Pathogenic. Review status: criteria provided, multiple submitters, no conflicts (2 of 4 stars). 2 submissions from 2 submitters: Pathogenic (2). Last evaluated 2025-07-01.

Conditions:
Polycystic kidney disease, adult type (PKD1). Also called: Polycystic Kidney, Autosomal Dominant; POLYCYSTIC KIDNEY DISEASE 1 WITH OR WITHOUT POLYCYSTIC LIVER DISEASE; Polycystic Kidney Disease 1, Autosomal Dominant; Polycystic kidney disease 1; Polycystic kidney disease 1, severe; POLYCYSTIC KIDNEY DISEASE, ADULT, TYPE I. Identifiers: MedGen C3149841, MONDO:0008263, OMIM 173900.

gnomAD v4.1: 1 of 1,606,824 alleles (0.000062%); highest among the groups gnomAD compares: Non-Finnish European, 0.000085%; no homozygotes.

Submissions (2):

Women's Health and Genetics/Laboratory Corporation of America, LabCorp
Classification: Pathogenic for Polycystic kidney disease, adult type. Last evaluated: 2025-07-01. Review status: criteria provided, single submitter. Criteria: LabCorp Variant Classification Summary - May 2015. Collection method: clinical testing. Allele origin: germline.
Comment: Variant summary: PKD1 c.914G>A (p.Trp305X) results in a premature termination codon, predicted to cause a truncation of the encoded protein or absence of the protein due to nonsense mediated decay, which are commonly known mechanisms for disease. The frequency data for this variant in gnomAD is considered unreliable, as metrics indicate poor data quality at this position. c.914G>A has been observed in at least one individual affected with Polycystic Kidney Disease 1 (example: Wang_2021). To our knowledge, no experimental evidence demonstrating an impact on protein function has been reported. The following publication has been ascertained in the context of this evaluation (PMID: 33939064). ClinVar contains an entry for this variant (Variation ID: 3780329). Based on the evidence outlined above, the variant was classified as pathogenic.

Department of Pathology and Laboratory Medicine, Sinai Health System
Classification: Pathogenic for Polycystic kidney disease, adult type. Last evaluated: 2021-12-21. Review status: criteria provided, single submitter. Criteria: ACMG Guidelines, 2015. Collection method: clinical testing. Allele origin: germline. Affected: yes.

Literature cited by the submitters: PubMed 33939064 (cited by Women's Health and Genetics/Laboratory Corporation of America, LabCorp).